The following is an entry in ClinVar:

NM_014915.3(ANKRD26):c.4388G>A (p.Ser1463Asn)

Gene: ANKRD26 (ankyrin repeat domain containing 26; minus strand). Cytogenetic location: 10p12.1.
Variant type: single nucleotide variant.
Coding change: c.4388G>A on transcript NM_014915.3 (MANE Select); coding-DNA position 4388, G replaced by A.
Protein change: p.Ser1463Asn; replaces serine 1463 with asparagine.
Molecular consequence: missense variant.
Genome position (GRCh38, 1-based): chr10:27,017,620, C>T on the plus strand (G>A on the coding strand, the complement: ANKRD26 is on the minus strand). VCF-style: chr10-27017620-C-T. GRCh37 (hg19) VCF-style: chr10-27306549-C-T.
Other names: c.4385G>A, p.Ser1462Asn (NM_001256053.2); short protein forms S1462N, S1463N.
Identifiers: ClinVar variation 4103655 (VCV004103655.1).

ClinVar aggregate classification (germline): Uncertain significance (1 of 4 stars; one submission).

Conditions:
Inborn genetic diseases. Identifiers: MedGen C0950123, MeSH D030342.

Submission:

Ambry Genetics
Classification: Uncertain significance for Inborn genetic diseases. Last evaluated: 2025-07-21. Review status: criteria provided, single submitter. Criteria: Ambry Variant Classification Scheme 2023. Collection method: clinical testing. Allele origin: germline.
Comment: The p.S1463N variant (also known as c.4388G>A), located in coding exon 30 of the ANKRD26 gene, results from a G to A substitution at nucleotide position 4388. The serine at codon 1463 is replaced by asparagine, an amino acid with highly similar properties. This amino acid position is conserved. In addition, this alteration is predicted to be tolerated by in silico analysis. Based on the available evidence, the clinical significance of this variant remains unclear.